The following is an entry in ClinVar:

ClinVar aggregate classification (germline): Uncertain significance (1 of 4 stars; one submission).

Submission:

Dasa
Classification: Uncertain significance. Last evaluated: 2025-09-09. Review status: criteria provided, single submitter. Criteria: DASA Assertion Criteria. Collection method: clinical testing. Allele origin: germline.
Comment: NM_001128840.3(CACNA1D):c.4627A>G (p.Thr1543Ala) is a missense variant that results in the substitution of threonine with alanine. This variant is absent from population databases. Computational prediction algorithms are consistent with a deleterious effect. The currently available literature and clinical evidence are not sufficient to establish a definitive association between this variant and the reported condition. Therefore, this variant is classified as a variant of uncertain significance.

NM_001128840.3(CACNA1D):c.4627A>G (p.Thr1543Ala)

Gene: CACNA1D (calcium voltage-gated channel subunit alpha1 D; plus strand). Cytogenetic location: 3p21.1.
Variant type: single nucleotide variant.
Coding change: c.4627A>G on transcript NM_001128840.3 (MANE Select); coding-DNA position 4627, A replaced by G.
Protein change: p.Thr1543Ala; replaces threonine 1543 with alanine.
Molecular consequence: missense variant.
Genome position (GRCh38, 1-based): chr3:53,780,065, A>G. VCF-style: chr3-53780065-A-G. GRCh37 (hg19) VCF-style: chr3-53814092-A-G.
Other names: c.4687A>G, p.Thr1563Ala (NM_000720.4); c.4582A>G, p.Thr1528Ala (NM_001128839.3); short protein forms T1528A, T1543A, T1563A.
Identifiers: ClinVar variation 5020868 (VCV005020868.1).